The following is an entry in ClinVar:

NM_001130144.3(LTBP3):c.1085C>T (p.Pro362Leu)

Gene: LTBP3 (latent transforming growth factor beta binding protein 3; minus strand). Cytogenetic location: 11q13.1.
Variant type: single nucleotide variant.
Coding change: c.1085C>T on transcript NM_001130144.3 (MANE Select); coding-DNA position 1085, C replaced by T.
Protein change: p.Pro362Leu; replaces proline 362 with leucine.
Molecular consequence: missense variant.
Genome position (GRCh38, 1-based): chr11:65,552,961, G>A on the plus strand (C>T on the coding strand, the complement: LTBP3 is on the minus strand). VCF-style: chr11-65552961-G-A. GRCh37 (hg19) VCF-style: chr11-65320432-G-A.
Other names: c.734C>T, p.Pro245Leu (NM_001164266.1); c.1085C>T, p.Pro362Leu (NM_021070.4); short protein forms P245L, P362L.
Identifiers: ClinVar variation 2562663 (VCV002562663.5), dbSNP rs768342170, ClinGen allele CA6101069.

ClinVar aggregate classification (germline): Uncertain significance. Review status: criteria provided, multiple submitters, no conflicts (2 of 4 stars). 2 submissions from 2 submitters: Uncertain significance (2). Last evaluated 2025-02-16.

Conditions:
Brachyolmia-amelogenesis imperfecta syndrome. Also called: PLATYSPONDYLY WITH AMELOGENESIS IMPERFECTA; Tooth agenesis, selective, 6; Dental anomalies and short stature. Identifiers: Orphanet 2899, MedGen C1832594, MONDO:0011018, OMIM 601216. Disease mechanism: loss of function.
Inborn genetic diseases. Identifiers: MedGen C0950123, MeSH D030342.

Allele frequency attached by ClinVar (database versions not stated): TOPMed below 0.00001; ExAC 0.00001; gnomAD 0.00001.
gnomAD v4.1: 7 of 1,614,078 alleles (0.00043%); highest among the groups gnomAD compares: East Asian, 0.0022%; no homozygotes.

Submissions (2):

Labcorp Genetics (formerly Invitae), Labcorp
Classification: Uncertain significance for Brachyolmia-amelogenesis imperfecta syndrome. Last evaluated: 2025-02-16. Review status: criteria provided, single submitter. Criteria: Invitae Variant Classification Sherloc (09022015). Collection method: clinical testing. Allele origin: germline.
Comment: This sequence change replaces proline, which is neutral and non-polar, with leucine, which is neutral and non-polar, at codon 362 of the LTBP3 protein (p.Pro362Leu). This variant is present in population databases (rs768342170, gnomAD 0.01%). This variant has not been reported in the literature in individuals affected with LTBP3-related conditions. ClinVar contains an entry for this variant (Variation ID: 2562663). An algorithm developed to predict the effect of missense changes on protein structure and function (PolyPhen-2) suggests that this variant is likely to be disruptive. In summary, the available evidence is currently insufficient to determine the role of this variant in disease. Therefore, it has been classified as a Variant of Uncertain Significance.

Ambry Genetics
Classification: Uncertain significance for Inborn genetic diseases. Last evaluated: 2023-05-27. Review status: criteria provided, single submitter. Criteria: Ambry Variant Classification Scheme 2023. Collection method: clinical testing. Allele origin: germline.
Comment: The p.P362L variant (also known as c.1085C>T), located in coding exon 6 of the LTBP3 gene, results from a C to T substitution at nucleotide position 1085. The proline at codon 362 is replaced by leucine, an amino acid with similar properties. This amino acid position is conserved. In addition, the in silico prediction for this alteration is inconclusive. Since supporting evidence is limited at this time, the clinical significance of this alteration remains unclear.